The following is an entry in ClinVar:

NM_000836.4(GRIN2D):c.496T>C (p.Ser166Pro)

Gene: GRIN2D (glutamate ionotropic receptor NMDA type subunit 2D; plus strand). Cytogenetic location: 19q13.33.
Variant type: single nucleotide variant.
Coding change: c.496T>C on transcript NM_000836.4 (MANE Select); coding-DNA position 496, T replaced by C.
Protein change: p.Ser166Pro; replaces serine 166 with proline.
Molecular consequence: missense variant.
Genome position (GRCh38, 1-based): chr19:48,404,764, T>C. VCF-style: chr19-48404764-T-C. GRCh37 (hg19) VCF-style: chr19-48908021-T-C.
Other names: short protein forms S166P.
Identifiers: ClinVar variation 4744709 (VCV004744709.1).

ClinVar aggregate classification (germline): Uncertain significance (1 of 4 stars; one submission).

gnomAD v4.1: 1 of 1,611,226 alleles (0.000062%); no homozygotes.

Submission:

Labcorp Genetics (formerly Invitae), Labcorp
Classification: Uncertain significance. Last evaluated: 2025-04-08. Review status: criteria provided, single submitter. Criteria: Invitae Variant Classification Sherloc (09022015). Collection method: clinical testing. Allele origin: germline.
Comment: This sequence change replaces serine, which is neutral and polar, with proline, which is neutral and non-polar, at codon 166 of the GRIN2D protein (p.Ser166Pro). This variant is not present in population databases (gnomAD no frequency). This variant has not been reported in the literature in individuals affected with GRIN2D-related conditions. Invitae Evidence Modeling of protein sequence and biophysical properties (such as structural, functional, and spatial information, amino acid conservation, physicochemical variation, residue mobility, and thermodynamic stability) indicates that this missense variant is not expected to disrupt GRIN2D protein function with a negative predictive value of 80%. In summary, the available evidence is currently insufficient to determine the role of this variant in disease. Therefore, it has been classified as a Variant of Uncertain Significance.